The following is an entry in ClinVar:

NM_000843.4(GRM6):c.1944G>A (p.Ala648=)

Genes: GRM6 (glutamate metabotropic receptor 6; minus strand), ZNF454 (zinc finger protein 454; plus strand). Cytogenetic location: 5q35.3.
Variant type: single nucleotide variant.
Coding change: c.1944G>A on transcript NM_000843.4 (MANE Select); coding-DNA position 1944, G replaced by A.
Protein change: p.Ala648=; no amino-acid change (alanine 648 retained).
Molecular consequence: synonymous variant.
Genome position (GRCh38, 1-based): chr5:178,986,310, C>T on the plus strand (G>A on the coding strand, the complement: GRM6 is on the minus strand). VCF-style: chr5-178986310-C-T. GRCh37 (hg19) VCF-style: chr5-178413311-C-T.
Identifiers: ClinVar variation 725523 (VCV000725523.12), dbSNP rs62638619, ClinGen allele CA3593880.
Genomic context (GRCh38, chr5:178,986,310, plus strand): 5'-CAGGGCAGAGTAGCTGAGGGTCGTGCCCAGGCCCAGGAAGAGCCTGCGGGCGGCACAGAC[C>T]GCGGCCCCAGGCTCAGCCACCATGAGGAAGGTGATGGCGTAGATGAGGAAGATGCCGGTG-3'
Protein context (NP_000834.2, residues 638-658): TFLMVAEPGA[Ala648=]VCAARRLFLG

ClinVar aggregate classification (germline): Benign/Likely benign. Review status: criteria provided, multiple submitters, no conflicts (2 of 4 stars). 3 submissions from 3 submitters: Benign (1); Likely benign (1). 1 of the submissions does not count toward it. Last evaluated 2025-11-24.

Conditions:
GRM6-related disorder. Also called: GRM6-related condition.

Allele frequency attached by ClinVar (database versions not stated): TOPMed 0.00010; 1000 Genomes Project 30x 0.00031.
gnomAD v4.1: 122 of 1,613,936 alleles (0.0076%); highest among the groups gnomAD compares: Admixed American, 0.14%; 1 homozygote.

Submissions (3):

Labcorp Genetics (formerly Invitae), Labcorp
Classification: Benign. Last evaluated: 2025-11-24. Review status: criteria provided, single submitter. Criteria: Invitae Variant Classification Sherloc (09022015). Collection method: clinical testing. Allele origin: germline.

Blueprint Genetics
Classification: Likely benign. Last evaluated: 2022-01-26. Review status: criteria provided, single submitter. Criteria: ACMG Guidelines, 2015. Collection method: clinical testing. Allele origin: germline.

PreventionGenetics, part of Exact Sciences
Classification: Likely benign for GRM6-related condition. Last evaluated: 2019-07-01. Review status: no assertion criteria provided. Collection method: clinical testing. Allele origin: germline. Not counted in ClinVar's aggregate classification.
Comment: This variant is classified as likely benign based on ACMG/AMP sequence variant interpretation guidelines (Richards et al. 2015 PMID: 25741868, with internal and published modifications).